The following is an entry in ClinVar:

GRCh37/hg19 2q37.2-37.3(chr2:235942616-242783384)x1

Genes: ACKR3 (atypical chemokine receptor 3; plus strand), AGAP1 (ArfGAP with GTPase domain, ankyrin repeat and PH domain 1; plus strand), AGXT (alanine--glyoxylate aminotransferase; plus strand), ANKMY1 (ankyrin repeat and MYND domain containing 1; minus strand), ANO7 (anoctamin 7; plus strand) and 56 more. Cytogenetic location: 2q37.2-37.3.
Variant type: copy number loss.
Change: copy number 1 (one copy instead of two) of chr2:235,942,616-242,783,384 (6.84 Mb, GRCh37 coordinates, 1-based), cytogenetic band 2q37.2-37.3.
Identifiers: ClinVar variation 1807819 (VCV001807819.1).

ClinVar aggregate classification (germline): Pathogenic (1 of 4 stars; one submission).

Submission:

Quest Diagnostics Nichols Institute San Juan Capistrano
Classification: Pathogenic. Last evaluated: 2021-12-07. Review status: criteria provided, single submitter. Criteria: ACMG/ClinGen CNV Guidelines, 2019. Collection method: clinical testing. Allele origin: unknown.
Comment: The terminal deletion is associated with chromosome 2q37 deletion syndrome (OMIM 600430). Patients with chromosome 2q37 deletion syndrome show highly variable clinical manifestations likely resulting from different deletion sizes and gene contents. The common clinical features include Albright hereditary osteodystrophy (AHO)-like metacarpal/metatarsal shortening (brachymetaphalangism), a variable degree of intellectual disability, facial dysmorphism, epilepsy, eczema, Wilm's tumor, and urogenital anomalies (Aldred et al 2004 J. Med. Genet. 41: 433-439. PMID: 15173228; Williams et al. Am J Hum Genet. 2010. Aug 13;87(2):219-28 PMID: 20691407; Fisch et al. Am J Med Genet A. 2016 Sep; 170(9):2282-91. PMID: 27282419; Doherty and Lacbawan. GeneReviews: 2q37 Microdeletion Syndrome).